The following is an entry in ClinVar:

ClinVar aggregate classification (germline): Likely benign. Review status: criteria provided, multiple submitters, no conflicts (2 of 4 stars). 7 submissions from 7 submitters: Likely benign (7). Last evaluated 2025-10-17.

Conditions:
Cardiovascular phenotype. Identifiers: MedGen CN230736.
Arrhythmogenic cardiomyopathy with wooly hair and keratoderma. Also called: Dilated cardiomyopathy with woolly hair and keratoderma; PALMOPLANTAR KERATODERMA WITH LEFT VENTRICULAR CARDIOMYOPATHY AND WOOLLY HAIR; Carvajal syndrome; Arrhythmogenic cardiomyopathy with woolly hair and keratoderma. Identifiers: Orphanet 65282, MedGen C1854063, MONDO:0011581, OMIM 605676.
Arrhythmogenic right ventricular dysplasia 8 (ARVD8). Also called: ARRHYTHMOGENIC RIGHT VENTRICULAR CARDIOMYOPATHY 8; Arrhythmogenic Right Ventricular Dysplasia/Cardiomyopathy 8; ARRHYTHMOGENIC RIGHT VENTRICULAR DYSPLASIA, FAMILIAL, 8. Identifiers: MedGen C1843896, MONDO:0011831, OMIM 607450.
Cardiomyopathy (CMYO). Also called: Cardiomyopathies. Identifiers: Orphanet 167848, MedGen C0878544, MONDO:0004994, HP:0001638. Inheritance: Various modes of inheritance.

Allele frequency attached by ClinVar (database versions not stated): ExAC 0.00002; gnomAD 0.00002; gnomAD exomes 0.00002 and 0.00004; TOPMed 0.00003; ESP Exome Variant Server 0.00008.
gnomAD v4.1: 66 of 1,614,022 alleles (0.0041%); highest among the groups gnomAD compares: Non-Finnish European, 0.0048%; no homozygotes.

Submissions (7):

Labcorp Genetics (formerly Invitae), Labcorp
Classification: Likely benign for Arrhythmogenic cardiomyopathy with wooly hair and keratoderma; Arrhythmogenic right ventricular dysplasia 8. Last evaluated: 2025-10-17. Review status: criteria provided, single submitter. Criteria: Invitae Variant Classification Sherloc (09022015). Collection method: clinical testing. Allele origin: germline.

All of Us Research Program, National Institutes of Health
Classification: Likely benign for Arrhythmogenic cardiomyopathy with wooly hair and keratoderma. Last evaluated: 2024-02-05. Review status: criteria provided, single submitter. Criteria: ACMG Guidelines, 2015. Collection method: clinical testing. Allele origin: germline. Inheritance: Autosomal dominant inheritance. Observed: 10 variant alleles, 10 heterozygotes.
Comment: This study involves interpretation of variants in research participants for the purpose of population health screening. Participant phenotype was not available at the time of variant classification. Additional details can be found in publication PMID: 35346344, PMCID: PMC8962531

CeGaT Center for Human Genetics Tuebingen
Classification: Likely benign. Last evaluated: 2022-01-01. Review status: criteria provided, single submitter. Criteria: CeGaT Center For Human Genetics Tuebingen Variant Classification Criteria Version 2. Collection method: clinical testing. Allele origin: germline. Affected: yes. Observed: 1 variant allele.

Ambry Genetics
Classification: Likely benign for Cardiovascular phenotype. Last evaluated: 2019-08-29. Review status: criteria provided, single submitter. Criteria: Ambry Variant Classification Scheme 2023. Collection method: clinical testing. Allele origin: germline.

GeneDx
Classification: Likely benign. Last evaluated: 2019-07-15. Review status: criteria provided, single submitter. Criteria: GeneDx Variant Classification Process June 2021. Collection method: clinical testing. Allele origin: germline. Affected: yes.

Color Diagnostics, LLC DBA Color Health
Classification: Likely benign for Cardiomyopathy. Last evaluated: 2018-09-28. Review status: criteria provided, single submitter. Criteria: ACMG Guidelines, 2015. Collection method: clinical testing. Allele origin: germline.

PreventionGenetics, part of Exact Sciences
Classification: Likely benign. Review status: criteria provided, single submitter. Criteria: ACMG Guidelines, 2015. Collection method: clinical testing. Allele origin: germline.

NM_004415.4(DSP):c.5913G>T (p.Leu1971=)

Gene: DSP (desmoplakin; plus strand). Cytogenetic location: 6p24.3.
Variant type: single nucleotide variant.
Coding change: c.5913G>T on transcript NM_004415.4 (MANE Select); coding-DNA position 5913, G replaced by T.
Protein change: p.Leu1971=; no amino-acid change (leucine 1971 retained).
Molecular consequence: synonymous variant.
Genome position (GRCh38, 1-based): chr6:7,583,175, G>T. VCF-style: chr6-7583175-G-T. GRCh37 (hg19) VCF-style: chr6-7583408-G-T.
Other names: c.5913G>T (LRG_423t1); c.4116G>T, p.Leu1372= (NM_001008844.3); c.4584G>T, p.Leu1528= (NM_001319034.2).
Identifiers: ClinVar variation 259385 (VCV000259385.51), dbSNP rs373416071, ClinGen allele CA046044.